The following is an entry in ClinVar:

NM_003170.5(SUPT6H):c.4995-10C>G

Gene: SUPT6H (SPT6 homolog, histone chaperone and transcription elongation factor; plus strand). Cytogenetic location: 17q11.2.
Variant type: single nucleotide variant.
Coding change: c.4995-10C>G on transcript NM_003170.5 (MANE Select); 10 bases into the intron before coding-DNA position 4995, C replaced by G.
Molecular consequence: intron variant.
Genome position (GRCh38, 1-based): chr17:28,701,429, C>G. VCF-style: chr17-28701429-C-G. GRCh37 (hg19) VCF-style: chr17-27028447-C-G.
Other names: c.4995-10C>G (NM_001320755.2).
Identifiers: ClinVar variation 668410 (VCV000668410.1), dbSNP rs754932415, ClinGen allele CA8465493.
Genomic context (GRCh38, chr17:28,701,429, plus strand): 5'-AGGGTACAGTGATTGGTGGGAAGACTTCCTTCTAGCAAAGTCCCAATCTCAACTTTTCTT[C>G]CCCTCCCAGGTCCAACAGCCATGCAGCCATCGACTGGGGAAAAATGGCGGAGCAGTGGCT-3'

ClinVar aggregate classification (germline): Likely benign (1 of 4 stars; one submission).

Allele frequency attached by ClinVar (database versions not stated): ExAC 0.00001; gnomAD 0.00001 and 0.00003; TOPMed 0.00004; gnomAD exomes 0.00003.
gnomAD v4.1: 16 of 1,610,200 alleles (0.00099%); highest among the groups gnomAD compares: Admixed American, 0.0067%; no homozygotes.

Submission:

GeneDx
Classification: Likely benign. Last evaluated: 2018-05-24. Review status: criteria provided, single submitter. Criteria: GeneDx Variant Classification (06012015). Collection method: clinical testing. Allele origin: germline. Affected: yes.
Comment: This variant is considered likely benign or benign based on one or more of the following criteria: it is a conservative change, it occurs at a poorly conserved position in the protein, it is predicted to be benign by multiple in silico algorithms, and/or has population frequency not consistent with disease.